The following is an entry in ClinVar:

NM_018943.3(TUBA8):c.1025A>T (p.Gln342Leu)

Gene: TUBA8 (tubulin alpha 8; plus strand). Cytogenetic location: 22q11.21.
Variant type: single nucleotide variant.
Coding change: c.1025A>T on transcript NM_018943.3 (MANE Select); coding-DNA position 1025, A replaced by T.
Protein change: p.Gln342Leu; replaces glutamine 342 with leucine.
Molecular consequence: missense variant.
Genome position (GRCh38, 1-based): chr22:18,127,003, A>T. VCF-style: chr22-18127003-A-T. GRCh37 (hg19) VCF-style: chr22-18609770-A-T.
Other names: c.827A>T, p.Gln276Leu (NM_001193414.2); short protein forms Q342L, Q276L.
Identifiers: ClinVar variation 1999031 (VCV001999031.4), dbSNP rs757811997, ClinGen allele CA10093812.
Genomic context (GRCh38, chr22:18,127,003, plus strand): 5'-ACGTGGTGCCCAAGGATGTGAATGTCGCTATTGCTGCCATCAAGACCAAGAGGACCATCC[A>T]GTTTGTAGACTGGTGTCCCACAGGCTTCAAGGTGAGAGCTGATGACTTAGGAAGGGGAGA-3'
Protein context (NP_061816.1, residues 332-352): IAAIKTKRTI[Gln342Leu]FVDWCPTGFK

ClinVar aggregate classification (germline): Uncertain significance (1 of 4 stars; one submission).

Submission:

Labcorp Genetics (formerly Invitae), Labcorp
Classification: Uncertain significance. Last evaluated: 2022-06-14. Review status: criteria provided, single submitter. Criteria: Invitae Variant Classification Sherloc (09022015). Collection method: clinical testing. Allele origin: germline.
Comment: In summary, the available evidence is currently insufficient to determine the role of this variant in disease. Therefore, it has been classified as a Variant of Uncertain Significance. Algorithms developed to predict the effect of missense changes on protein structure and function (SIFT, PolyPhen-2, Align-GVGD) all suggest that this variant is likely to be disruptive. This variant has not been reported in the literature in individuals affected with TUBA8-related conditions. This variant is present in population databases (rs757811997, gnomAD 0.005%). This sequence change replaces glutamine, which is neutral and polar, with leucine, which is neutral and non-polar, at codon 342 of the TUBA8 protein (p.Gln342Leu).